The following is an entry in ClinVar:

NM_000038.6(APC):c.2304C>T (p.His768=)

Gene: APC (APC regulator of Wnt signaling pathway; plus strand). Cytogenetic location: 5q22.2.
Variant type: single nucleotide variant.
Coding change: c.2304C>T on transcript NM_000038.6 (MANE Select); coding-DNA position 2304, C replaced by T.
Protein change: p.His768=; no amino-acid change (histidine 768 retained).
Molecular consequence: synonymous variant. On other transcripts: non-coding transcript variant (2).
Genome position (GRCh38, 1-based): chr5:112,837,898, C>T. VCF-style: chr5-112837898-C-T. GRCh37 (hg19) VCF-style: chr5-112173595-C-T.
Other names: c.2304C>T, p.His768= (NM_001127510.3, NM_001354895.2, NM_001407450.1); c.2250C>T, p.His750= (NM_001127511.3); c.2358C>T, p.His786= (NM_001354896.2, NM_001407447.1, NM_001407448.1 and 1 more transcripts); c.2334C>T, p.His778= (NM_001354897.2); c.2229C>T, p.His743= (NM_001354898.2); c.2220C>T, p.His740= (NM_001354899.2); c.2181C>T, p.His727= (NM_001354900.2); c.2127C>T, p.His709= (NM_001354901.2, NM_001407453.1); and 11 more.
Identifiers: ClinVar variation 2483704 (VCV002483704.2), dbSNP rs1580620349, ClinGen allele CA445963341.

ClinVar aggregate classification (germline): Benign/Likely benign. Review status: criteria provided, multiple submitters, no conflicts (2 of 4 stars). 2 submissions from 2 submitters: Benign (1); Likely benign (1). Last evaluated 2024-03-11.

Conditions:
Hereditary cancer-predisposing syndrome. Also called: Neoplastic Syndromes, Hereditary; Hereditary neoplastic syndrome; Tumor predisposition; Hereditary Cancer Syndrome. Identifiers: Orphanet 140162, MedGen C0027672, MeSH D009386, MONDO:0015356.
Familial adenomatous polyposis 1 (FAP1). Also called: FAMILIAL ADENOMATOUS POLYPOSIS 1, ATTENUATED; POLYPOSIS, ADENOMATOUS INTESTINAL. Identifiers: MedGen C2713442, MONDO:0021056, OMIM 175100. Disease mechanism: loss of function.

gnomAD v4.1: 1 of 1,614,106 alleles (0.000062%); highest among the groups gnomAD compares: Non-Finnish European, 0.000085%; no homozygotes.

Submissions (2):

Myriad Genetics, Inc.
Classification: Benign for Familial adenomatous polyposis 1. Last evaluated: 2024-03-11. Review status: criteria provided, single submitter. Criteria: Myriad Autosomal Dominant, Autosomal Recessive and X-Linked Classification Criteria (2023). Collection method: clinical testing. Allele origin: unknown.
Comment: This variant is considered benign. This variant is a silent/synonymous amino acid change and it is not expected to impact splicing.

Ambry Genetics
Classification: Likely benign for Hereditary cancer-predisposing syndrome. Last evaluated: 2022-11-06. Review status: criteria provided, single submitter. Criteria: Ambry Variant Classification Scheme 2023. Collection method: clinical testing. Allele origin: germline.